The following is an entry in ClinVar:

ClinVar aggregate classification (germline): Uncertain significance. Review status: criteria provided, multiple submitters, no conflicts (2 of 4 stars). 2 submissions from 2 submitters: Uncertain significance (2). Last evaluated 2026-01-17.

Conditions:
FG syndrome (FGS). Identifiers: MedGen C0220769, MONDO:0002010.
Congenital anomaly of kidney and urinary tract. Also called: Congenital anomalies of kidney and urinary tract; Congenital anomalies of the kidney and urinary tract. Identifiers: Orphanet 93545, MedGen C1968949, MeSH C566906, MONDO:0019719.

Allele frequency attached by ClinVar (database versions not stated): gnomAD exomes below 0.00001.
gnomAD v4.1: 1 of 1,202,596 alleles (0.000083%); highest among the groups gnomAD compares: Admixed American, 0.0022%; no homozygotes.

Submissions (2):

Labcorp Genetics (formerly Invitae), Labcorp
Classification: Uncertain significance for FG syndrome. Last evaluated: 2026-01-17. Review status: criteria provided, single submitter. Criteria: Invitae Variant Classification Sherloc (09022015). Collection method: clinical testing. Allele origin: germline.
Comment: This sequence change replaces arginine, which is basic and polar, with glutamine, which is neutral and polar, at codon 2089 of the MED12 protein (p.Arg2089Gln). This variant is not present in population databases (gnomAD no frequency). This variant has not been reported in the literature in individuals affected with MED12-related conditions. ClinVar contains an entry for this variant (Variation ID: 1475661). Experimental studies and prediction algorithms are not available or were not evaluated, and the functional significance of this variant is currently unknown. In summary, the available evidence is currently insufficient to determine the role of this variant in disease. Therefore, it has been classified as a Variant of Uncertain Significance.

Cambridge Genomics Laboratory, East Genomic Laboratory Hub, NHS Genomic Medicine Service
Classification: Uncertain significance for Congenital anomaly of kidney and urinary tract. Last evaluated: 2020-04-29. Review status: criteria provided, single submitter. Criteria: ACGS Best Practice Guidelines for Variant Classification in Rare Disease 2020. Collection method: clinical testing. Allele origin: germline. Affected: yes. Observed: 1 variant allele.

NM_005120.3(MED12):c.6266G>A (p.Arg2089Gln)

Gene: MED12 (mediator complex subunit 12; plus strand). Cytogenetic location: Xq13.1.
Variant type: single nucleotide variant.
Coding change: c.6266G>A on transcript NM_005120.3 (MANE Select); coding-DNA position 6266, G replaced by A.
Protein change: p.Arg2089Gln; replaces arginine 2089 with glutamine.
Molecular consequence: missense variant.
Genome position (GRCh38, 1-based): chrX:71,140,856, G>A. VCF-style: chrX-71140856-G-A. GRCh37 (hg19) VCF-style: chrX-70360706-G-A.
Other names: short protein forms R2089Q.
Identifiers: ClinVar variation 1475661 (VCV001475661.9), dbSNP rs1001050248, ClinGen allele CA330985054.